The following is an entry in ClinVar:

ClinVar aggregate classification (germline): Likely pathogenic (1 of 4 stars; one submission).

Conditions:
Dilated cardiomyopathy 1G (CMD1G). Identifiers: Orphanet 154, MedGen C1858763, MONDO:0011400, OMIM 604145.
Autosomal recessive limb-girdle muscular dystrophy type 2J (LGMDR10). Also called: Limb-girdle muscular dystrophy, type 2J; MUSCULAR DYSTROPHY, LIMB-GIRDLE, AUTOSOMAL RECESSIVE 10. Identifiers: Orphanet 140922, MedGen C1837342, MONDO:0012127, OMIM 608807.

Submission:

Labcorp Genetics (formerly Invitae), Labcorp
Classification: Likely pathogenic for Dilated cardiomyopathy 1G; Autosomal recessive limb-girdle muscular dystrophy type 2J. Last evaluated: 2023-09-21. Review status: criteria provided, single submitter. Criteria: Invitae Variant Classification Sherloc (09022015). Collection method: clinical testing. Allele origin: germline.
Comment: In summary, the currently available evidence indicates that the variant is pathogenic, but additional data are needed to prove that conclusively. Therefore, this variant has been classified as Likely Pathogenic. This variant is located in the A band of TTN (PMID: 25589632). Truncating variants in this region are significantly overrepresented in patients affected with dilated cardiomyopathy (PMID: 25589632). Truncating variants in this region have also been reported in individuals affected with autosomal recessive centronuclear myopathy (PMID: 23975875). Algorithms developed to predict the effect of sequence changes on RNA splicing suggest that this variant may create or strengthen a splice site. This variant has not been reported in the literature in individuals affected with TTN-related conditions. This variant is not present in population databases (gnomAD no frequency). This sequence change creates a premature translational stop signal (p.Glu22733*) in the TTN gene. While this is not anticipated to result in nonsense mediated decay, it is expected to create a truncated TTN protein.

Literature cited by the submitters: PubMed 25589632; PubMed 23975875.

NM_001267550.2(TTN):c.68197G>T (p.Glu22733Ter)

Genes: TTN (titin; minus strand), TTN-AS1 (TTN antisense RNA 1; plus strand), LOC126806423 (CDK7 strongly-dependent group 2 enhancer GRCh37_chr2:179443309-179444508; plus strand). Cytogenetic location: 2q31.2.
Variant type: single nucleotide variant.
Coding change: c.68197G>T on transcript NM_001267550.2 (MANE Select); coding-DNA position 68197, G replaced by T.
Protein change: p.Glu22733Ter; replaces glutamic acid 22733 with a stop codon.
Molecular consequence: nonsense.
Genome position (GRCh38, 1-based): chr2:178,578,833, C>A on the plus strand (G>T on the coding strand, the complement: TTN is on the minus strand). VCF-style: chr2-178578833-C-A. GRCh37 (hg19) VCF-style: chr2-179443560-C-A.
Other names: c.63274G>T, p.Glu21092Ter (NM_001256850.1); c.41002G>T, p.Glu13668Ter (NM_003319.4); c.60493G>T, p.Glu20165Ter (NM_133378.4); c.41377G>T, p.Glu13793Ter (NM_133432.3); c.41578G>T, p.Glu13860Ter (NM_133437.4); short protein forms E13860*, E20165*, E21092*, E13668*, E13793*, E22733*.
Identifiers: ClinVar variation 2951228 (VCV002951228.3), dbSNP rs2468857083, ClinGen allele CA349421173.